The following is an entry in ClinVar:

NM_004006.3(DMD):c.10280del (p.Gln3427fs)

Gene: DMD (dystrophin; minus strand). Cytogenetic location: Xp21.2.
Variant type: Deletion.
Coding change: c.10280del on transcript NM_004006.3 (MANE Select); coding-DNA position 10280, one base deleted (A; older notation c.10280delA).
Protein change: p.Gln3427fs; shifts the reading frame from glutamine 3427.
Molecular consequence: frameshift variant. On other transcripts: intron variant (2).
Genome position (GRCh38, 1-based): chrX:31,173,587, T deleted on the plus strand (A on the coding strand, the reverse complement: DMD is on the minus strand). VCF-style (leftmost placement, unchanged base first): chrX-31173586-CT-C. GRCh37 (hg19) VCF-style: chrX-31191703-CT-C.
Other names: c.10256del, p.Gln3419fs (NM_000109.4); c.10268del, p.Gln3423fs (NM_004009.3); c.9911del, p.Gln3304fs (NM_004010.3); c.6257del, p.Gln2086fs (NM_004011.4); c.6248del, p.Gln2083fs (NM_004012.4); c.2900del, p.Gln967fs (NM_004013.3, NM_004021.3); c.2093del, p.Gln698fs (NM_004014.3); c.1076del, p.Gln359fs (NM_004015.3, NM_004016.3); and 3 more; short protein forms Q2083fs, Q2086fs, Q3304fs, Q3419fs, Q3423fs, Q3427fs, Q346fs, Q359fs.
Identifiers: ClinVar variation 4849721 (VCV004849721.1).

ClinVar aggregate classification (germline): Likely pathogenic (1 of 4 stars; one submission).

Conditions:
Duchenne muscular dystrophy (DMD). Also called: Duchenne Muscular Dystrophy (DMD); MUSCULAR DYSTROPHY, PSEUDOHYPERTROPHIC PROGRESSIVE, DUCHENNE TYPE. Identifiers: Orphanet 98896, MedGen C0013264, MONDO:0010679, OMIM 310200.

Submission:

Diagnostics Services (NGS), CSIR - Centre For Cellular And Molecular Biology
Classification: Likely pathogenic for Duchenne muscular dystrophy. Last evaluated: 2026-04-01. Review status: criteria provided, single submitter. Criteria: ACMG Guidelines, 2015. Collection method: clinical testing. Allele origin: germline. Observed: 1 variant allele, 1 hemizygote.
Comment: The c.10280del variant is not present in publicly available population databases like 1000 Genomes, EVS, gnomAD, Indian Exome Database or our internal database. This variant has neither been reported in the literature in individuals affected with DMD-related conditions nor reported to the clinical databases like Human Genome Mutation Database (HGMD), ClinVar or OMIM, in any affected individuals. In-silico pathogenicity prediction programs like MutationTaster2021, CADD, Franklin, Varsome etc predicted this variant to be likely deleterious. This variant causes frameshift at the 3427th amino acid position of the wild-type transcript which creates a premature translational stop signal at the altered transcript that may either result in translation of a truncated protein or cause nonsense mediated decay of the mRNA.